The following is an entry in ClinVar:

ClinVar aggregate classification (germline): Uncertain significance (1 of 4 stars; one submission).

Conditions:
Desbuquois dysplasia 1 (DBQD1). Also called: DESBUQUOIS DYSPLASIA 1, KIM VARIANT; MICROMELIC DWARFISM WITH VERTEBRAL AND METAPHYSEAL ABNORMALITIES AND ADVANCED CARPOTARSAL OSSIFICATION. Identifiers: Orphanet 1425, MedGen C4012146, MONDO:0009629, OMIM 251450.

Allele frequency attached by ClinVar (database versions not stated): gnomAD 0.00002 and 0.00001; gnomAD exomes 0.00002; TOPMed 0.00002; ExAC 0.00002.
gnomAD v4.1: 41 of 1,613,196 alleles (0.0025%); highest among the groups gnomAD compares: South Asian, 0.012%; no homozygotes.

Submission:

Labcorp Genetics (formerly Invitae), Labcorp
Classification: Uncertain significance for Desbuquois dysplasia 1. Last evaluated: 2021-09-09. Review status: criteria provided, single submitter. Criteria: Invitae Variant Classification Sherloc (09022015). Collection method: clinical testing. Allele origin: germline.
Comment: This variant is present in population databases (rs374020411, ExAC 0.006%). In summary, the available evidence is currently insufficient to determine the role of this variant in disease. Therefore, it has been classified as a Variant of Uncertain Significance. Algorithms developed to predict the effect of missense changes on protein structure and function (SIFT, PolyPhen-2, Align-GVGD) all suggest that this variant is likely to be disruptive. This variant has not been reported in the literature in individuals affected with XYLT1-related conditions. This sequence change replaces arginine with cysteine at codon 754 of the XYLT1 protein (p.Arg754Cys). The arginine residue is highly conserved and there is a large physicochemical difference between arginine and cysteine.

NM_022166.4(XYLT1):c.2260C>T (p.Arg754Cys)

Gene: XYLT1 (xylosyltransferase 1; minus strand). Cytogenetic location: 16p12.3.
Variant type: single nucleotide variant.
Coding change: c.2260C>T on transcript NM_022166.4 (MANE Select); coding-DNA position 2260, C replaced by T.
Protein change: p.Arg754Cys; replaces arginine 754 with cysteine.
Molecular consequence: missense variant.
Genome position (GRCh38, 1-based): chr16:17,117,943, G>A on the plus strand (C>T on the coding strand, the complement: XYLT1 is on the minus strand). VCF-style: chr16-17117943-G-A. GRCh37 (hg19) VCF-style: chr16-17211800-G-A.
Other names: short protein forms R754C.
Identifiers: ClinVar variation 1494577 (VCV001494577.4), dbSNP rs374020411, ClinGen allele CA7927618.
Genomic context (GRCh38, chr16:17,117,943, plus strand): 5'-TCCCCCACTTCTGCATACCCACCGGCTCATCCATGGGCCCCAGAAGACCCCCAAAGTTGC[G>A]GAATAGCCTCTCCTTGGCATCCCAGTCAGTGCCGACCTGAAACAGGGGAGTGAATTCTGA-3'
Protein context (NP_071449.1, residues 744-764): TDWDAKERLF[Arg754Cys]NFGGLLGPMD